The following is an entry in ClinVar:

ClinVar aggregate classification (germline): Likely benign. Review status: criteria provided, multiple submitters, no conflicts (2 of 4 stars). 3 submissions from 3 submitters: Likely benign (2). 1 of the submissions does not count toward it. Last evaluated 2024-07-25.

Conditions:
CACNA1B-related disorder. Also called: CACNA1B-related condition.

Allele frequency attached by ClinVar (database versions not stated): TOPMed 0.00002; gnomAD 0.00003; ExAC 0.00006; ESP Exome Variant Server 0.00008.
gnomAD v4.1: 35 of 1,613,102 alleles (0.0022%); highest among the groups gnomAD compares: East Asian, 0.016%; no homozygotes.

Submissions (3):

Labcorp Genetics (formerly Invitae), Labcorp
Classification: Likely benign. Last evaluated: 2024-07-25. Review status: criteria provided, single submitter. Criteria: Invitae Variant Classification Sherloc (09022015). Collection method: clinical testing. Allele origin: germline.

CeGaT Center for Human Genetics Tuebingen
Classification: Likely benign. Last evaluated: 2022-08-01. Review status: criteria provided, single submitter. Criteria: CeGaT Center For Human Genetics Tuebingen Variant Classification Criteria Version 2. Collection method: clinical testing. Allele origin: germline. Affected: yes. Observed: 1 variant allele.
Comment: CACNA1B: BP4, BP7

PreventionGenetics, part of Exact Sciences
Classification: Likely benign for CACNA1B-related condition. Last evaluated: 2019-09-17. Review status: no assertion criteria provided. Collection method: clinical testing. Allele origin: germline. Not counted in ClinVar's aggregate classification.
Comment: This variant is classified as likely benign based on ACMG/AMP sequence variant interpretation guidelines (Richards et al. 2015 PMID: 25741868, with internal and published modifications).

NM_000718.4(CACNA1B):c.5454C>T (p.Asp1818=)

Gene: CACNA1B (calcium voltage-gated channel subunit alpha1 B; plus strand). Cytogenetic location: 9q34.3.
Variant type: single nucleotide variant.
Coding change: c.5454C>T on transcript NM_000718.4 (MANE Select); coding-DNA position 5454, C replaced by T.
Protein change: p.Asp1818=; no amino-acid change (aspartic acid 1818 retained).
Molecular consequence: synonymous variant.
Genome position (GRCh38, 1-based): chr9:138,112,423, C>T. VCF-style: chr9-138112423-C-T. GRCh37 (hg19) VCF-style: chr9-141006875-C-T.
Other names: c.5454C>T, p.Asp1818= (NM_001243812.2); c.5454C>T (NM_000718.3).
Identifiers: ClinVar variation 2170277 (VCV002170277.29), dbSNP rs202244111, ClinGen allele CA5377376.